The following is an entry in ClinVar:

NM_152468.5(TMC8):c.1225T>C (p.Tyr409His)

Gene: TMC8 (transmembrane channel like 8; plus strand). Cytogenetic location: 17q25.3.
Variant type: single nucleotide variant.
Coding change: c.1225T>C on transcript NM_152468.5 (MANE Select); coding-DNA position 1225, T replaced by C.
Protein change: p.Tyr409His; replaces tyrosine 409 with histidine.
Molecular consequence: missense variant.
Genome position (GRCh38, 1-based): chr17:78,137,332, T>C. VCF-style: chr17-78137332-T-C. GRCh37 (hg19) VCF-style: chr17-76133413-T-C.
Other names: short protein forms Y409H.
Identifiers: ClinVar variation 1935356 (VCV001935356.5), dbSNP rs768453587, ClinGen allele CA401248075.

ClinVar aggregate classification (germline): Uncertain significance (1 of 4 stars; one submission).

Conditions:
Epidermodysplasia verruciformis. Identifiers: Orphanet 302, MedGen C0014522, MONDO:0009176.

Submission:

Labcorp Genetics (formerly Invitae), Labcorp
Classification: Uncertain significance for Epidermodysplasia verruciformis. Last evaluated: 2022-02-24. Review status: criteria provided, single submitter. Criteria: Invitae Variant Classification Sherloc (09022015). Collection method: clinical testing. Allele origin: germline.
Comment: This sequence change replaces tyrosine, which is neutral and polar, with histidine, which is basic and polar, at codon 409 of the TMC8 protein (p.Tyr409His). This variant is not present in population databases (gnomAD no frequency). This variant has not been reported in the literature in individuals affected with TMC8-related conditions. Algorithms developed to predict the effect of missense changes on protein structure and function output the following: SIFT: "Tolerated"; PolyPhen-2: "Benign"; Align-GVGD: "Class C0". The histidine amino acid residue is found in multiple mammalian species, which suggests that this missense change does not adversely affect protein function. In summary, the available evidence is currently insufficient to determine the role of this variant in disease. Therefore, it has been classified as a Variant of Uncertain Significance.